The following is an entry in ClinVar:

NM_001127208.3(TET2):c.3025del (p.Gln1009fs)

Genes: TET2 (tet methylcytosine dioxygenase 2; plus strand), TET2-AS1 (TET2 antisense RNA 1; minus strand). Cytogenetic location: 4q24.
Variant type: Deletion.
Coding change: c.3025del on transcript NM_001127208.3 (MANE Select); coding-DNA position 3025, one base deleted (C; older notation c.3025delC).
Protein change: p.Gln1009fs; shifts the reading frame from glutamine 1009.
Molecular consequence: frameshift variant.
Genome position (GRCh38, 1-based): chr4:105,236,967, C deleted. VCF-style (leftmost placement, unchanged base first): chr4-105236966-GC-G. GRCh37 (hg19) VCF-style: chr4-106158123-GC-G.
Other names: c.3025del, p.Gln1009fs (NM_017628.4); short protein forms Q1009fs.
Identifiers: ClinVar variation 4732425 (VCV004732425.1).

ClinVar aggregate classification (germline): Pathogenic (1 of 4 stars; one submission).

Submission:

Labcorp Genetics (formerly Invitae), Labcorp
Classification: Pathogenic. Last evaluated: 2025-12-11. Review status: criteria provided, single submitter. Criteria: Invitae Variant Classification Sherloc (09022015). Collection method: clinical testing. Allele origin: germline.
Comment: This sequence change creates a premature translational stop signal (p.Gln1009Lysfs*24) in the TET2 gene. It is expected to result in an absent or disrupted protein product. Loss-of-function variants in TET2 are known to be pathogenic (PMID: 36066697). This variant is not present in population databases (gnomAD no frequency). This variant has not been reported in the literature in individuals affected with TET2-related conditions. For these reasons, this variant has been classified as Pathogenic.

Literature cited by the submitters: PubMed 36066697.